The following is an entry in ClinVar:

NM_004415.4(DSP):c.3806G>T (p.Arg1269Leu)

Gene: DSP (desmoplakin; plus strand). Cytogenetic location: 6p24.3.
Variant type: single nucleotide variant.
Coding change: c.3806G>T on transcript NM_004415.4 (MANE Select); coding-DNA position 3806, G replaced by T.
Protein change: p.Arg1269Leu; replaces arginine 1269 with leucine.
Molecular consequence: missense variant. On other transcripts: intron variant (1).
Genome position (GRCh38, 1-based): chr6:7,579,996, G>T. VCF-style: chr6-7579996-G-T. GRCh37 (hg19) VCF-style: chr6-7580229-G-T.
Other names: c.3806G>T, p.Arg1269Leu (NM_001319034.2); c.3582+224G>T (NM_001008844.3); short protein forms R1269L.
Identifiers: ClinVar variation 923727 (VCV000923727.6), dbSNP rs876657795, ClinGen allele CA362684894.

ClinVar aggregate classification (germline): Uncertain significance. Review status: criteria provided, multiple submitters, no conflicts (2 of 4 stars). 2 submissions from 2 submitters: Uncertain significance (2). Last evaluated 2025-01-28.

Conditions:
Cardiomyopathy (CMYO). Also called: Cardiomyopathies. Identifiers: Orphanet 167848, MedGen C0878544, MONDO:0004994, HP:0001638. Inheritance: Various modes of inheritance.
Cardiovascular phenotype. Identifiers: MedGen CN230736.

Allele frequency attached by ClinVar (database versions not stated): gnomAD 0.00001.
gnomAD v4.1: 11 of 1,614,004 alleles (0.00068%); highest among the groups gnomAD compares: South Asian, 0.0011%; no homozygotes.

Submissions (2):

Ambry Genetics
Classification: Uncertain significance for Cardiovascular phenotype. Last evaluated: 2025-01-28. Review status: criteria provided, single submitter. Criteria: Ambry Variant Classification Scheme 2023. Collection method: clinical testing. Allele origin: germline.

Color Diagnostics, LLC DBA Color Health
Classification: Uncertain significance for Cardiomyopathy. Last evaluated: 2023-12-04. Review status: criteria provided, single submitter. Criteria: ACMG Guidelines, 2015. Collection method: clinical testing. Allele origin: germline.
Comment: This missense variant replaces arginine with leucine at codon 1269 of the DSP protein. Computational prediction tools and conservation analyses are inconclusive regarding the impact of this variant on protein function. Computational splicing tools suggest that this variant may not impact RNA splicing. To our knowledge, functional assays have not been performed for this variant nor has this variant been reported in individuals affected with cardiovascular disorders in the literature. This variant has been identified in 1/250772 chromosomes in the general population by the Genome Aggregation Database (gnomAD). Available evidence is insufficient to determine the role of this variant in disease conclusively. Therefore, this variant is classified as a Variant of Uncertain Significance.